The following is an entry in ClinVar:

ClinVar aggregate classification (somatic clinical impact): Tier II - Potential (1 of 4 stars; one submission).

Conditions:
Embryonal rhabdomyosarcoma (ERMS). Also called: Botryoid rhabdomyosarcoma (type of ERMS); Spindle cell rhabdomyosarcomas (type of ERMS). Identifiers: Orphanet 99757, MedGen C0206656, MONDO:0009993, HP:0006743.

Submission:

Institute for Genomic Medicine (IGM) Clinical Laboratory, Nationwide Children's Hospital
Classification: Tier II - Potential for Embryonal rhabdomyosarcoma. Assertion type: diagnostic. Clinical significance: supports diagnosis. Last evaluated: 2022-11-12. Review status: criteria provided, single submitter. Criteria: AMP/ASCO/CAP Guidelines, 2017. Collection method: clinical testing. Allele origin: somatic. Affected: yes.
Comment: Variant has Tier II (potential) clinical significance as a diagnostic inclusion criterion in embryonal rhabdomyosarcoma, based on the following evidence: 1) Diagnostic significance based on multiple small studies (Evidence Level C; PMIDs: 24436047, 34166060, 26138366).

Literature cited by the submitters: PubMed 24436047; PubMed 34166060; PubMed 26138366.

NM_006015.6(ARID1A):c.1624_1625del (p.Gln542fs)

Gene: ARID1A (AT-rich interaction domain 1A; plus strand). Cytogenetic location: 1p36.11.
Variant type: Microsatellite.
Coding change: c.1624_1625del on transcript NM_006015.6 (MANE Select); coding-DNA positions 1624 to 1625, 2 bases deleted (CA; older notation c.1624_1625delCA).
Protein change: p.Gln542fs; shifts the reading frame from glutamine 542.
Molecular consequence: frameshift variant.
Genome position (GRCh38, 1-based): chr1:26,731,425-26,731,426, CA deleted; deleting any 2 consecutive bases within chr1:26,731,422-26,731,426 gives the same sequence; the c. name uses the placement nearest the transcript's 3' end. VCF-style (leftmost placement, unchanged base first): chr1-26731421-GAC-G. GRCh37 (hg19) VCF-style: chr1-27057912-GAC-G.
Other names: c.1624_1625del, p.Gln542fs (NM_139135.4); short protein forms Q542fs.
Identifiers: ClinVar variation 4530197 (VCV004530197.1).